The following is an entry in ClinVar:

ClinVar aggregate classification (germline): Pathogenic (1 of 4 stars; one submission).

Conditions:
Ehlers-Danlos syndrome, classic type, 1 (EDSCL1). Also called: EHLERS-DANLOS SYNDROME, GRAVIS TYPE; EHLERS-DANLOS SYNDROME, SEVERE CLASSIC TYPE; Ehlers-Danlos syndrome, type 1; Ehlers-Danlos Syndrome, Classic Type, COL5A1-Related; EDS I. Identifiers: MedGen C0268335, MONDO:0019567, OMIM 130000.

Submission:

Labcorp Genetics (formerly Invitae), Labcorp
Classification: Pathogenic for Ehlers-Danlos syndrome, classic type, 1. Last evaluated: 2023-09-18. Review status: criteria provided, single submitter. Criteria: Invitae Variant Classification Sherloc (09022015). Collection method: clinical testing. Allele origin: germline.
Comment: For these reasons, this variant has been classified as Pathogenic. This variant disrupts a region of the COL5A1 protein in which other variant(s) (p.Gln1825*) have been determined to be pathogenic (Invitae). This suggests that this is a clinically significant region of the protein, and that variants that disrupt it are likely to be disease-causing. This variant has not been reported in the literature in individuals affected with COL5A1-related conditions. This variant is not present in population databases (gnomAD no frequency). This sequence change results in a frameshift in the COL5A1 gene (p.Met1774Argfs*94). While this is not anticipated to result in nonsense mediated decay, it is expected to disrupt the last 65 amino acid(s) of the COL5A1 protein and extend the protein by 28 additional amino acid residues.

NM_000093.5(COL5A1):c.5319_5320dup (p.Met1774fs)

Genes: COL5A1 (collagen type V alpha 1 chain; plus strand), LOC101448202 (uncharacterized LOC101448202; minus strand). Cytogenetic location: 9q34.3.
Variant type: Microsatellite.
Coding change: c.5319_5320dup on transcript NM_000093.5 (MANE Select); coding-DNA positions 5319 to 5320, 2 bases duplicated (GA; older notation c.5319_5320dupGA).
Protein change: p.Met1774fs; shifts the reading frame from methionine 1774.
Molecular consequence: frameshift variant.
Genome position (GRCh38, 1-based): chr9:134,835,153-134,835,154, GA duplicated; duplicating any 2 consecutive bases within chr9:134,835,151-134,835,154 gives the same sequence; the c. name uses the placement nearest the transcript's 3' end. VCF-style (leftmost placement, unchanged base first): chr9-134835150-G-GGA. GRCh37 (hg19) VCF-style: chr9-137726996-G-GGA.
Other names: c.5319_5320dup, p.Met1774fs (NM_001278074.1); short protein forms M1774fs.
Identifiers: ClinVar variation 2761561 (VCV002761561.3), dbSNP rs2490930881, ClinGen allele CA2697558182.
Genomic context (GRCh38, chr9:134,835,150, plus strand): 5'-GCAGGACGCAGCCACGGGCAGCTACGACAAGGCCCTCCGCTTCCTGGGCTCCAACGACGA[G>GGA]GAGATGTCCTATGACAACAACCCCTACATCCGCGCCCTGGTGGACGGCTGTGCTGTGAGT-3'